The following is an entry in ClinVar:

NM_001142800.2(EYS):c.8844T>G (p.Cys2948Trp)

Genes: EYS (EGF-like photoreceptor maintenance factor; minus strand), PHF3 (PHD finger protein 3; plus strand). Cytogenetic location: 6q12.
Variant type: single nucleotide variant.
Coding change: c.8844T>G on transcript NM_001142800.2 (MANE Select); coding-DNA position 8844, T replaced by G.
Protein change: p.Cys2948Trp; replaces cysteine 2948 with tryptophan.
Molecular consequence: missense variant. On other transcripts: 3 prime UTR variant (5).
Genome position (GRCh38, 1-based): chr6:63,721,187, A>C on the plus strand (T>G on the coding strand, the complement: EYS is on the minus strand). VCF-style: chr6-63721187-A-C. GRCh37 (hg19) VCF-style: chr6-64431083-A-C.
Other names: c.*7479A>C (NM_001290259.2, NM_001370348.2, NM_001370349.2 and 2 more transcripts); c.8907T>G, p.Cys2969Trp (NM_001292009.2); c.8907T>G (FM209056.1); short protein forms C2948W, C2969W.
Identifiers: ClinVar variation 1307904 (VCV001307904.3), dbSNP rs2149624530, ClinGen allele CA364383848.

ClinVar aggregate classification (germline): Conflicting classifications of pathogenicity. Review status: criteria provided, conflicting classifications (1 of 4 stars). 2 submissions from 2 submitters: Likely pathogenic (1); Uncertain significance (1). Last evaluated 2025-07-21.

Submissions (2):

Labcorp Genetics (formerly Invitae), Labcorp
Classification: Likely pathogenic. Last evaluated: 2025-07-21. Review status: criteria provided, single submitter. Criteria: Invitae Variant Classification Sherloc (09022015). Collection method: clinical testing. Allele origin: germline.
Comment: This sequence change replaces cysteine, which is neutral and slightly polar, with tryptophan, which is neutral and slightly polar, at codon 2948 of the EYS protein (p.Cys2948Trp). This variant is not present in population databases (gnomAD no frequency). This missense change has been observed in individual(s) with retinitis pigmentosa (PMID: 30804660; internal data). In at least one individual the data is consistent with being in trans (on the opposite chromosome) from a pathogenic variant. It has also been observed to segregate with disease in related individuals. This variant is also known as c. 8907T>G (p.Cys2969Trp). ClinVar contains an entry for this variant (Variation ID: 1307904). Invitae Evidence Modeling of protein sequence and biophysical properties (such as structural, functional, and spatial information, amino acid conservation, physicochemical variation, residue mobility, and thermodynamic stability) indicates that this missense variant is expected to disrupt EYS protein function with a positive predictive value of 80%. This variant disrupts the p.Cys2948 amino acid residue in EYS. Other variant(s) that disrupt this residue have been observed in individuals with EYS-related conditions (PMID: 36819107), which suggests that this may be a clinically significant amino acid residue. In summary, the currently available evidence indicates that the variant is pathogenic, but additional data are needed to prove that conclusively. Therefore, this variant has been classified as Likely Pathogenic.

GeneDx
Classification: Uncertain significance. Last evaluated: 2020-08-31. Review status: criteria provided, single submitter. Criteria: GeneDx Variant Classification Process June 2021. Collection method: clinical testing. Allele origin: germline. Affected: yes.
Comment: Identified in a patient with retinitis pigmentosa with no second EYS variant identified in published literature (Xiao et al., 2019); Not observed in large population cohorts (Lek et al., 2016); In silico analysis, which includes protein predictors and evolutionary conservation, supports a deleterious effect; This variant is associated with the following publications: (PMID: 30804660)

Literature cited by the submitters: PubMed 30804660 (cited by Labcorp Genetics (formerly Invitae), Labcorp); PubMed 36819107 (cited by Labcorp Genetics (formerly Invitae), Labcorp).